The following is an entry in ClinVar:

ClinVar aggregate classification (germline): Uncertain significance. Review status: criteria provided, multiple submitters, no conflicts (2 of 4 stars). 4 submissions from 4 submitters: Uncertain significance (4). Last evaluated 2025-07-28.

Conditions:
Familial thoracic aortic aneurysm and aortic dissection (TAAD). Also called: Thoracic aortic aneurysms and dissections. Identifiers: Orphanet 91387, MedGen C4707243, MONDO:0019625.
Ehlers-Danlos syndrome, kyphoscoliotic type 1 (EDSKSCL1). Also called: EHLERS-DANLOS SYNDROME, TYPE VIA; Ehlers-Danlos syndrome, hydroxylysine-deficient; EHLERS-DANLOS SYNDROME, OCULAR-SCOLIOTIC TYPE; PLOD1-Related Kyphoscoliotic Ehlers-Danlos Syndrome. Identifiers: Orphanet 1900, MedGen C0268342, MONDO:0016002, OMIM 225400. Disease mechanism: loss of function.

Allele frequency attached by ClinVar (database versions not stated): gnomAD 0.00001; TOPMed 0.00002; ESP Exome Variant Server 0.00008; ExAC 0.00002.
gnomAD v4.1: 46 of 1,613,756 alleles (0.0029%); highest among the groups gnomAD compares: Non-Finnish European, 0.0036%; no homozygotes.

Submissions (4):

Women's Health and Genetics/Laboratory Corporation of America, LabCorp
Classification: Uncertain significance. Last evaluated: 2025-07-28. Review status: criteria provided, single submitter. Criteria: LabCorp Variant Classification Summary - May 2015. Collection method: clinical testing. Allele origin: germline.
Comment: Variant summary: PLOD1 c.2095A>G (p.Met699Val) results in a conservative amino acid change in the encoded protein sequence. Algorithms developed to predict the effect of missense changes on protein structure and function are either unavailable or do not agree on the potential impact of this missense change. The variant allele was found at a frequency of 2e-05 in 251216 control chromosomes. The available data on variant occurrences in the general population are insufficient to allow any conclusion about variant significance. To our knowledge, no occurrence of c.2095A>G in individuals affected with Ehlers-Danlos syndrome, kyphoscoliotic type 1 and no experimental evidence demonstrating its impact on protein function have been reported. ClinVar contains an entry for this variant (Variation ID: 658162). Based on the evidence outlined above, the variant was classified as uncertain significance.

Centre of Medical Genetics, University of Antwerp
Classification: Uncertain significance for Familial thoracic aortic aneurysm and aortic dissection. Last evaluated: 2024-09-06. Review status: criteria provided, single submitter. Criteria: ACMG Guidelines, 2015. Collection method: clinical testing. Allele origin: germline. Affected: yes.

Ambry Genetics
Classification: Uncertain significance for Familial thoracic aortic aneurysm and aortic dissection. Last evaluated: 2024-09-02. Review status: criteria provided, single submitter. Criteria: Ambry Variant Classification Scheme 2023. Collection method: clinical testing. Allele origin: germline.
Comment: The p.M699V variant (also known as c.2095A>G), located in coding exon 19 of the PLOD1 gene, results from an A to G substitution at nucleotide position 2095. The methionine at codon 699 is replaced by valine, an amino acid with highly similar properties. This amino acid position is conserved. In addition, this alteration is predicted to be tolerated by in silico analysis. Since supporting evidence is limited at this time, the clinical significance of this alteration remains unclear.

Labcorp Genetics (formerly Invitae), Labcorp
Classification: Uncertain significance for Ehlers-Danlos syndrome, kyphoscoliotic type 1. Last evaluated: 2022-07-05. Review status: criteria provided, single submitter. Criteria: Invitae Variant Classification Sherloc (09022015). Collection method: clinical testing. Allele origin: germline.
Comment: This sequence change replaces methionine, which is neutral and non-polar, with valine, which is neutral and non-polar, at codon 699 of the PLOD1 protein (p.Met699Val). This variant is present in population databases (rs142916043, gnomAD 0.005%). This variant has not been reported in the literature in individuals affected with PLOD1-related conditions. ClinVar contains an entry for this variant (Variation ID: 658162). Algorithms developed to predict the effect of missense changes on protein structure and function are either unavailable or do not agree on the potential impact of this missense change (SIFT: "Deleterious"; PolyPhen-2: "Benign"; Align-GVGD: "Class C0"). In summary, the available evidence is currently insufficient to determine the role of this variant in disease. Therefore, it has been classified as a Variant of Uncertain Significance.

NM_000302.4(PLOD1):c.2095A>G (p.Met699Val)

Gene: PLOD1 (procollagen-lysine,2-oxoglutarate 5-dioxygenase 1; plus strand). Cytogenetic location: 1p36.22.
Variant type: single nucleotide variant.
Coding change: c.2095A>G on transcript NM_000302.4 (MANE Select); coding-DNA position 2095, A replaced by G.
Protein change: p.Met699Val; replaces methionine 699 with valine.
Molecular consequence: missense variant.
Genome position (GRCh38, 1-based): chr1:11,974,719, A>G. VCF-style: chr1-11974719-A-G. GRCh37 (hg19) VCF-style: chr1-12034776-A-G.
Other names: c.2236A>G, p.Met746Val (NM_001316320.2); short protein forms M746V, M699V.
Identifiers: ClinVar variation 658162 (VCV000658162.11), dbSNP rs142916043, ClinGen allele CA598674.